The following is an entry in ClinVar:

ClinVar aggregate classification (germline): Uncertain significance (1 of 4 stars; one submission).

Allele frequency attached by ClinVar (database versions not stated): TOPMed below 0.00001.

Submission:

Ambry Genetics
Classification: Uncertain significance. Last evaluated: 2024-01-27. Review status: criteria provided, single submitter. Criteria: Ambry Variant Classification Scheme 2023. Collection method: clinical testing. Allele origin: germline.
Comment: The p.P157S variant (also known as c.469C>T), located in coding exon 1 of the PALLD gene, results from a C to T substitution at nucleotide position 469. The proline at codon 157 is replaced by serine, an amino acid with similar properties. This amino acid position is conserved. In addition, this alteration is predicted to be tolerated by in silico analysis. Based on the available evidence, the clinical significance of this alteration remains unclear.

NM_001166108.2(PALLD):c.469C>T (p.Pro157Ser)

Gene: PALLD (palladin, cytoskeletal associated protein; plus strand). Cytogenetic location: 4q32.3.
Variant type: single nucleotide variant.
Coding change: c.469C>T on transcript NM_001166108.2 (MANE Select); coding-DNA position 469, C replaced by T.
Protein change: p.Pro157Ser; replaces proline 157 with serine.
Molecular consequence: missense variant.
Genome position (GRCh38, 1-based): chr4:168,511,973, C>T. VCF-style: chr4-168511973-C-T. GRCh37 (hg19) VCF-style: chr4-169433124-C-T.
Other names: c.469C>T, p.Pro157Ser (NM_016081.4); short protein forms P157S.
Identifiers: ClinVar variation 3226818 (VCV003226818.1), dbSNP rs1490104944, ClinGen allele CA358726090.